The following is an entry in ClinVar:

NM_001384474.1(LOXHD1):c.1883del (p.Gly628fs)

Gene: LOXHD1 (lipoxygenase homology PLAT domains 1; minus strand). Cytogenetic location: 18q21.1.
Variant type: Deletion.
Coding change: c.1883del on transcript NM_001384474.1 (MANE Select); coding-DNA position 1883, one base deleted (G; older notation c.1883delG).
Protein change: p.Gly628fs; shifts the reading frame from glycine 628.
Molecular consequence: frameshift variant.
Genome position (GRCh38, 1-based): chr18:46,577,794, C deleted on the plus strand (G on the coding strand, the reverse complement: LOXHD1 is on the minus strand); the first of 2 consecutive C bases (chr18:46,577,794-46,577,795); deleting either gives the same sequence. VCF-style (leftmost placement, unchanged base first): chr18-46577793-GC-G. GRCh37 (hg19) VCF-style: chr18-44157756-GC-G.
Other names: c.1883del, p.Gly628fs (NM_144612.7); short protein forms G628fs.
Identifiers: ClinVar variation 1357257 (VCV001357257.6), dbSNP rs2144134463, ClinGen allele CA2573155300.

ClinVar aggregate classification (germline): Pathogenic (1 of 4 stars; one submission).

Submission:

Labcorp Genetics (formerly Invitae), Labcorp
Classification: Pathogenic. Last evaluated: 2021-04-04. Review status: criteria provided, single submitter. Criteria: Invitae Variant Classification Sherloc (09022015). Collection method: clinical testing. Allele origin: germline.
Comment: For these reasons, this variant has been classified as Pathogenic. This variant has not been reported in the literature in individuals with LOXHD1-related conditions. This variant is not present in population databases (ExAC no frequency). This sequence change creates a premature translational stop signal (p.Gly628Alafs*13) in the LOXHD1 gene. It is expected to result in an absent or disrupted protein product. Loss-of-function variants in LOXHD1 are known to be pathogenic (PMID: 19732867, 21465660, 25792669).

Literature cited by the submitters: PubMed 19732867; PubMed 21465660; PubMed 25792669.